The following is an entry in ClinVar:

ClinVar aggregate classification (germline): Pathogenic (1 of 4 stars; one submission).

Conditions:
Bloom syndrome (BLM). Also called: Bloom-Torre-Machacek syndrome. Identifiers: Orphanet 125, MedGen C0005859, MONDO:0008876, OMIM 210900.

Submission:

Myriad Genetics, Inc.
Classification: Pathogenic for Bloom syndrome. Last evaluated: 2026-01-14. Review status: criteria provided, single submitter. Criteria: Myriad Autosomal Dominant, Autosomal Recessive and X-Linked Classification Criteria (2023). Collection method: clinical testing. Allele origin: unknown.
Comment: NM_000057.3(BLM):c.987_1006dup20(S336Tfs*20) is a frameshift variant classified as pathogenic in the context of Bloom syndrome. S336Tfs*20 has not been observed in cases with relevant disease. Relevant functional assessments of this variant are not available in the literature. S336Tfs*20 has not been observed in referenced population frequency databases. In summary, NM_000057.3(BLM):c.987_1006dup20(S336Tfs*20) is a frameshift variant in a gene where loss of function is a known mechanism of disease and is predicted to disrupt protein function. Please note: this variant was assessed in the context of healthy population screening.

NM_000057.4(BLM):c.987_1006dup (p.Ser336fs)

Gene: BLM (BLM RecQ like helicase; plus strand). Cytogenetic location: 15q26.1.
Variant type: Duplication.
Coding change: c.987_1006dup on transcript NM_000057.4 (MANE Select); coding-DNA positions 987 to 1006, 20 bases duplicated (CAGAAAAGAGGATGTTCTTA).
Protein change: p.Ser336fs; shifts the reading frame from serine 336.
Molecular consequence: frameshift variant. On other transcripts: 5 prime UTR variant (1).
Genome position (GRCh38, 1-based): chr15:90,754,838-90,754,857, CAGAAAAGAGGATGTTCTTA duplicated; duplicating any 20 consecutive bases within chr15:90,754,837-90,754,857 gives the same sequence; the c. name uses the placement nearest the transcript's 3' end. VCF-style (leftmost placement, unchanged base first): chr15-90754836-G-GACAGAAAAGAGGATGTTCTT. GRCh37 (hg19) VCF-style: chr15-91298066-G-GACAGAAAAGAGGATGTTCTT.
Other names: c.987_1006dup, p.Ser336fs (NM_001287246.2, NM_001287247.2); c.-305_-286dup (NM_001287248.2); short protein forms S336fs.
Identifiers: ClinVar variation 5004391 (VCV005004391.1).